The following is an entry in ClinVar:

NM_032608.7(MYO18B):c.633G>A (p.Pro211=)

Gene: MYO18B (myosin XVIIIB; plus strand). Cytogenetic location: 22q12.1.
Variant type: single nucleotide variant.
Coding change: c.633G>A on transcript NM_032608.7 (MANE Select); coding-DNA position 633, G replaced by A.
Protein change: p.Pro211=; no amino-acid change (proline 211 retained).
Molecular consequence: synonymous variant.
Genome position (GRCh38, 1-based): chr22:25,768,549, G>A. VCF-style: chr22-25768549-G-A. GRCh37 (hg19) VCF-style: chr22-26164516-G-A.
Other names: c.633G>A, p.Pro211= (NM_001318245.2); c.633G>A (NM_032608.6).
Identifiers: ClinVar variation 1575747 (VCV001575747.10), dbSNP rs200084480, ClinGen allele CA10159658.
Genomic context (GRCh38, chr22:25,768,549, plus strand): 5'-GAAAGGGGAGACCTCTAGGACTCCTTGTGGCTCCCAGGCCAGCACCGAGATCTTGGCCCC[G>A]AAAGCTGAGAAGACCCGGACTGGGGGTCTTGGGGACCCAGGCCAAGGAACTGTGGCACTG-3'
Protein context (NP_115997.5, residues 201-221): GSQASTEILA[Pro211=]KAEKTRTGGL

ClinVar aggregate classification (germline): Likely benign. Review status: criteria provided, multiple submitters, no conflicts (2 of 4 stars). 3 submissions from 3 submitters: Likely benign (3). Last evaluated 2025-12-30.

Conditions:
MYO18B-related disorder. Also called: MYO18B-related condition.

Allele frequency attached by ClinVar (database versions not stated): ESP Exome Variant Server 0.00008; gnomAD exomes 0.00009 and 0.00015; gnomAD 0.00011; TOPMed 0.00011; ExAC 0.00017.
gnomAD v4.1: 155 of 1,543,868 alleles (0.01%); highest among the groups gnomAD compares: Middle Eastern, 0.035%; no homozygotes.

Submissions (3):

Labcorp Genetics (formerly Invitae), Labcorp
Classification: Likely benign. Last evaluated: 2025-12-30. Review status: criteria provided, single submitter. Criteria: Invitae Variant Classification Sherloc (09022015). Collection method: clinical testing. Allele origin: germline.

PreventionGenetics, part of Exact Sciences
Classification: Likely benign for MYO18B-related condition. Last evaluated: 2025-10-06. Review status: criteria provided, single submitter. Criteria: ACMG Guidelines, 2015. Collection method: clinical testing. Allele origin: germline.
Comment: This variant is classified as likely benign based on ACMG/AMP sequence variant interpretation guidelines (Richards et al. 2015 PMID: 25741868, with internal and published modifications).

Blueprint Genetics
Classification: Likely benign. Last evaluated: 2024-04-04. Review status: criteria provided, single submitter. Criteria: ACMG Guidelines, 2015. Collection method: clinical testing. Allele origin: germline.